The following is an entry in ClinVar:

NM_172201.2(KCNE2):c.317C>T (p.Ser106Leu)

Genes: KCNE2 (potassium voltage-gated channel subfamily E regulatory subunit 2; plus strand), LOC105372791 (uncharacterized LOC105372791; minus strand). Cytogenetic location: 21q22.11.
Variant type: single nucleotide variant.
Coding change: c.317C>T on transcript NM_172201.2 (MANE Select); coding-DNA position 317, C replaced by T.
Protein change: p.Ser106Leu; replaces serine 106 with leucine.
Molecular consequence: missense variant.
Genome position (GRCh38, 1-based): chr21:34,370,795, C>T. VCF-style: chr21-34370795-C-T. GRCh37 (hg19) VCF-style: chr21-35743094-C-T.
Other names: short protein forms S106L.
Identifiers: ClinVar variation 379226 (VCV000379226.17), dbSNP rs183427173, ClinGen allele CA10013440.

ClinVar aggregate classification (germline): Conflicting classifications of pathogenicity. Review status: criteria provided, conflicting classifications (1 of 4 stars). 3 submissions from 3 submitters: Uncertain significance (1); Likely benign (2). Last evaluated 2026-01-27.

Conditions:
Cardiovascular phenotype. Identifiers: MedGen CN230736.
Long QT syndrome 6 (LQT6). Identifiers: Orphanet 101016, Orphanet 768, MedGen C3150953, MONDO:0013370, OMIM 613693.

Allele frequency attached by ClinVar (database versions not stated): ExAC 0.00006; 1000 Genomes Project 30x 0.00016; 1000 Genomes Project 0.00020; gnomAD exomes 0.00021; gnomAD 0.00060 and 0.00064; TOPMed 0.00064.
gnomAD v4.1: 173 of 1,614,146 alleles (0.011%); highest among the groups gnomAD compares: Admixed American, 0.25%; no homozygotes.

Submissions (3):

Labcorp Genetics (formerly Invitae), Labcorp
Classification: Likely benign for Long QT syndrome 6. Last evaluated: 2026-01-27. Review status: criteria provided, single submitter. Criteria: Invitae Variant Classification Sherloc (09022015). Collection method: clinical testing. Allele origin: germline.

Ambry Genetics
Classification: Likely benign for Cardiovascular phenotype. Last evaluated: 2022-04-12. Review status: criteria provided, single submitter. Criteria: Ambry Variant Classification Scheme 2023. Collection method: clinical testing. Allele origin: germline.

GeneDx
Classification: Uncertain significance. Last evaluated: 2017-02-13. Review status: criteria provided, single submitter. Criteria: GeneDx Variant Classification (06012015). Collection method: clinical testing. Allele origin: germline. Affected: yes.
Comment: The S106L variant of uncertain significance in the KCNE2 gene has been previously reported in one individualreferred for LQTS genetic testing, although no clinical information or segregation data was provided (Lieve et al.,2013). This variant has also been identified in other individuals referred for genetic testing at GeneDx; however, thusfar, segregation data is limited for these individuals due to the lack of clinical information provided and insufficientparticipation by informative family members. This variant is not observed at a significant frequency in largepopulation cohorts (Lek et al., 2016; 1000 Genomes Consortium et al., 2015; Exome Variant Server). In addition,S106L is a non-conservative amino acid substitution, which is likely to impact secondary protein structure as theseresidues differ in polarity, charge, size and/or other properties. Nevertheless, S106L occurs at a position that is notconserved across species, and L106 is tolerated in at least two species. Furthermore, the majority of in silico toolspredicts this variant likely does not alter the protein structure/function. Therefore, based on the currently available information, it is unclear whether this variant is pathogenic or rare benign.